The following is an entry in ClinVar:

NM_006363.6(SEC23B):c.1142C>T (p.Thr381Ile)

Gene: SEC23B (SEC23 homolog B, COPII component; plus strand). Cytogenetic location: 20p11.23.
Variant type: single nucleotide variant.
Coding change: c.1142C>T on transcript NM_006363.6 (MANE Select); coding-DNA position 1142, C replaced by T.
Protein change: p.Thr381Ile; replaces threonine 381 with isoleucine.
Molecular consequence: missense variant.
Genome position (GRCh38, 1-based): chr20:18,530,712, C>T. VCF-style: chr20-18530712-C-T. GRCh37 (hg19) VCF-style: chr20-18511356-C-T.
Other names: c.1142C>T, p.Thr381Ile (NM_001172745.3, NM_032985.6, NM_032986.5); c.1088C>T, p.Thr363Ile (NM_001172746.3); short protein forms T363I, T381I.
Identifiers: ClinVar variation 3234909 (VCV003234909.1), dbSNP rs2517482318, ClinGen allele CA408361523.

ClinVar aggregate classification (germline): Uncertain significance (1 of 4 stars; one submission).

Conditions:
Congenital dyserythropoietic anemia, type II (CDAN2). Also called: DYSERYTHROPOIETIC ANEMIA, HEMPAS TYPE. Identifiers: Orphanet 98873, MedGen C1306589, MONDO:0009134, OMIM 224100.

Submission:

Neuberg Centre For Genomic Medicine, NCGM
Classification: Uncertain significance for Congenital dyserythropoietic anemia, type II. Review status: criteria provided, single submitter. Criteria: ACMG Guidelines, 2015. Collection method: clinical testing. Allele origin: germline. Inheritance: Autosomal recessive inheritance. Affected: yes.
Comment: The missense c.1142C>Tp.Thr381Ile variant in SEC23B gene has not been reported previously as a pathogenic variant nor as a benign variant, to our knowledge. The p.Thr381Ile variant is novel not in any individuals in gnomAD Exomes and 1000 Genomes. This variant has not been reported to the ClinVar database. The amino acid change p.Thr381Ile in SEC23B is predicted as conserved by GERP++ and PhyloP across 100 vertebrates. The amino acid Thr at position 381 is changed to a Ile changing protein sequence and it might alter its composition and physico-chemical properties. For these reasons, this variant has been classified as Variant of Uncertain Significance VUS.